The following is an entry in ClinVar:

NM_004415.4(DSP):c.1736C>T (p.Thr579Met)

Gene: DSP (desmoplakin; plus strand). Cytogenetic location: 6p24.3.
Variant type: single nucleotide variant.
Coding change: c.1736C>T on transcript NM_004415.4 (MANE Select); coding-DNA position 1736, C replaced by T.
Protein change: p.Thr579Met; replaces threonine 579 with methionine.
Molecular consequence: missense variant.
Genome position (GRCh38, 1-based): chr6:7,571,417, C>T. VCF-style: chr6-7571417-C-T. GRCh37 (hg19) VCF-style: chr6-7571650-C-T.
Other names: c.1736C>T, p.Thr579Met (NM_001008844.3, NM_001319034.2); short protein forms T579M.
Identifiers: ClinVar variation 1779081 (VCV001779081.9), dbSNP rs765038828, ClinGen allele CA029864.

ClinVar aggregate classification (germline): Conflicting classifications of pathogenicity. Review status: criteria provided, conflicting classifications (1 of 4 stars). 3 submissions from 3 submitters: Uncertain significance (2); Likely benign (1). Last evaluated 2025-09-23.

Conditions:
Cardiovascular phenotype. Identifiers: MedGen CN230736.
Arrhythmogenic cardiomyopathy with wooly hair and keratoderma. Also called: Arrhythmogenic cardiomyopathy with woolly hair and keratoderma; PALMOPLANTAR KERATODERMA WITH LEFT VENTRICULAR CARDIOMYOPATHY AND WOOLLY HAIR; Carvajal syndrome; Dilated cardiomyopathy with woolly hair and keratoderma. Identifiers: Orphanet 65282, MedGen C1854063, MONDO:0011581, OMIM 605676.
Arrhythmogenic right ventricular dysplasia 8 (ARVD8). Also called: Arrhythmogenic Right Ventricular Dysplasia/Cardiomyopathy 8; ARRHYTHMOGENIC RIGHT VENTRICULAR DYSPLASIA, FAMILIAL, 8; ARRHYTHMOGENIC RIGHT VENTRICULAR CARDIOMYOPATHY 8. Identifiers: MedGen C1843896, MONDO:0011831, OMIM 607450.
Cardiomyopathy (CMYO). Also called: Cardiomyopathies. Identifiers: Orphanet 167848, MedGen C0878544, MONDO:0004994, HP:0001638. Inheritance: Various modes of inheritance.

Allele frequency attached by ClinVar (database versions not stated): gnomAD exomes below 0.00001; ExAC 0.00001; TOPMed 0.00001; gnomAD 0.00002.
gnomAD v4.1: 4 of 1,614,012 alleles (0.00025%); highest among the groups gnomAD compares: East Asian, 0.0022%; no homozygotes.

Submissions (3):

Labcorp Genetics (formerly Invitae), Labcorp
Classification: Likely benign for Arrhythmogenic cardiomyopathy with wooly hair and keratoderma; Arrhythmogenic right ventricular dysplasia 8. Last evaluated: 2025-09-23. Review status: criteria provided, single submitter. Criteria: Invitae Variant Classification Sherloc (09022015). Collection method: clinical testing. Allele origin: germline.

Color Diagnostics, LLC DBA Color Health
Classification: Uncertain significance for Cardiomyopathy. Last evaluated: 2023-01-23. Review status: criteria provided, single submitter. Criteria: ACMG Guidelines, 2015. Collection method: clinical testing. Allele origin: germline.
Comment: This missense variant replaces threonine with methionine at codon 579 of the DSP protein. Computational prediction suggests that this variant may not impact protein structure and function (internally defined REVEL score threshold <= 0.5, PMID: 27666373). To our knowledge, functional studies have not been reported for this variant. This variant has not been reported in individuals affected with DSP-related disorders in the literature. This variant has been identified in 2/251302 chromosomes in the general population by the Genome Aggregation Database (gnomAD). The available evidence is insufficient to determine the role of this variant in disease conclusively. Therefore, this variant is classified as a Variant of Uncertain Significance.

Ambry Genetics
Classification: Uncertain significance for Cardiovascular phenotype. Last evaluated: 2019-01-28. Review status: criteria provided, single submitter. Criteria: Ambry Variant Classification Scheme 2023. Collection method: clinical testing. Allele origin: germline.
Comment: The p.T579M variant (also known as c.1736C>T), located in coding exon 14 of the DSP gene, results from a C to T substitution at nucleotide position 1736. The threonine at codon 579 is replaced by methionine, an amino acid with similar properties. This variant has been detected in conjunction with variants in other cardiac-related genes in a Brugada syndrome cohort; however, details were limited (Scumaci D et al. Proteomics Clin Appl. 2018;12:e1800065). This amino acid position is not well conserved in available vertebrate species. In addition, this alteration is predicted to be tolerated by in silico analysis. Since supporting evidence is limited at this time, the clinical significance of this alteration remains unclear.

Literature cited by the submitters: PubMed 29956481 (cited by Ambry Genetics).